The following is an entry in ClinVar:

ClinVar aggregate classification (germline): Likely benign. Review status: criteria provided, multiple submitters, no conflicts (2 of 4 stars). 6 submissions from 6 submitters: Likely benign (6). Last evaluated 2025-01-23.

Conditions:
Familial thoracic aortic aneurysm and aortic dissection (TAAD). Also called: Thoracic aortic aneurysms and dissections. Identifiers: Orphanet 91387, MedGen C4707243, MONDO:0019625.
Marfan syndrome (MFS). Also called: Marfan syndrome, classic; Marfan syndrome type 1; Marfan's syndrome; MARFAN SYNDROME, TYPE I; FBN1-Related Marfan Syndrome. Identifiers: Orphanet 284963, Orphanet 558, MedGen C0024796, MONDO:0007947, OMIM 154700.
Connective tissue disorder. Also called: Connective tissue disease. Identifiers: MedGen C0009782, MONDO:0003900.

Allele frequency attached by ClinVar (database versions not stated): gnomAD exomes 0.00001; ExAC 0.00002.
gnomAD v4.1: 15 of 1,614,098 alleles (0.00093%); highest among the groups gnomAD compares: South Asian, 0.0033%; no homozygotes.

Submissions (6):

Labcorp Genetics (formerly Invitae), Labcorp
Classification: Likely benign for Marfan syndrome; Familial thoracic aortic aneurysm and aortic dissection. Last evaluated: 2025-01-23. Review status: criteria provided, single submitter. Criteria: Invitae Variant Classification Sherloc (09022015). Collection method: clinical testing. Allele origin: germline.

All of Us Research Program, National Institutes of Health
Classification: Likely benign for Marfan syndrome. Last evaluated: 2024-05-24. Review status: criteria provided, single submitter. Criteria: ACMG Guidelines, 2015. Collection method: clinical testing. Allele origin: germline. Inheritance: Autosomal dominant inheritance. Observed: 8 variant alleles, 8 heterozygotes.
Comment: This study involves interpretation of variants in research participants for the purpose of population health screening. Participant phenotype was not available at the time of variant classification. Additional details can be found in publication PMID: 35346344, PMCID: PMC8962531

Ambry Genetics
Classification: Likely benign for Familial thoracic aortic aneurysm and aortic dissection. Last evaluated: 2022-10-21. Review status: criteria provided, single submitter. Criteria: Ambry Variant Classification Scheme 2023. Collection method: clinical testing. Allele origin: germline.

GeneDx
Classification: Likely benign. Last evaluated: 2021-03-17. Review status: criteria provided, single submitter. Criteria: GeneDx Variant Classification Process June 2021. Collection method: clinical testing. Allele origin: germline. Affected: yes.

Color Diagnostics, LLC DBA Color Health
Classification: Likely benign for Familial thoracic aortic aneurysm and aortic dissection. Last evaluated: 2019-10-22. Review status: criteria provided, single submitter. Criteria: ACMG Guidelines, 2015. Collection method: clinical testing. Allele origin: germline.

Center for Human Genetics, Inc
Classification: Likely benign for Connective tissue disorder. Last evaluated: 2016-11-01. Review status: criteria provided, single submitter. Criteria: ACMG Guidelines, 2015. Collection method: clinical testing. Allele origin: germline. Affected: yes.

NM_000138.5(FBN1):c.2886C>T (p.Tyr962=)

Gene: FBN1 (fibrillin 1; minus strand). Cytogenetic location: 15q21.1.
Variant type: single nucleotide variant.
Coding change: c.2886C>T on transcript NM_000138.5 (MANE Select); coding-DNA position 2886, C replaced by T.
Protein change: p.Tyr962=; no amino-acid change (tyrosine 962 retained).
Molecular consequence: synonymous variant.
Genome position (GRCh38, 1-based): chr15:48,490,047, G>A on the plus strand (C>T on the coding strand, the complement: FBN1 is on the minus strand). VCF-style: chr15-48490047-G-A. GRCh37 (hg19) VCF-style: chr15-48782244-G-A.
Identifiers: ClinVar variation 413888 (VCV000413888.18), dbSNP rs772108557, ClinGen allele CA049162.
Genomic context (GRCh38, chr15:48,490,047, plus strand): 5'-GCAGCAGCAGGCGTCCATGCGGTGGCGGCCAGCAATAGGCAGGGTGCACTCCTCGTCCTC[G>A]TACCTCAGGAAGCAGGTTTCCAGGCGGATATCTGTCAGAGGGAATCAAGGGAGGTTAAAT-3'
Protein context (NP_000129.3, residues 952-972): DIRLETCFLR[Tyr962=]EDEECTLPIA